The following is an entry in ClinVar:

ClinVar aggregate classification (germline): Uncertain significance (1 of 4 stars; one submission).

gnomAD v4.1: 205 of 1,614,046 alleles (0.013%); highest among the groups gnomAD compares: Non-Finnish European, 0.016%; no homozygotes.

Submission:

Labcorp Genetics (formerly Invitae), Labcorp
Classification: Uncertain significance. Last evaluated: 2022-03-03. Review status: criteria provided, single submitter. Criteria: Invitae Variant Classification Sherloc (09022015). Collection method: clinical testing. Allele origin: germline.
Comment: This sequence change replaces arginine, which is basic and polar, with proline, which is neutral and non-polar, at codon 1174 of the TTC37 protein (p.Arg1174Pro). This variant is present in population databases (rs149287861, gnomAD 0.02%). This variant has not been reported in the literature in individuals affected with TTC37-related conditions. Algorithms developed to predict the effect of missense changes on protein structure and function (SIFT, PolyPhen-2, Align-GVGD) all suggest that this variant is likely to be tolerated. In summary, the available evidence is currently insufficient to determine the role of this variant in disease. Therefore, it has been classified as a Variant of Uncertain Significance.

NM_014639.4(SKIC3):c.3521G>C (p.Arg1174Pro)

Gene: SKIC3 (SKI3 subunit of superkiller complex; minus strand). Cytogenetic location: 5q15.
Variant type: single nucleotide variant.
Coding change: c.3521G>C on transcript NM_014639.4 (MANE Select); coding-DNA position 3521, G replaced by C.
Protein change: p.Arg1174Pro; replaces arginine 1174 with proline.
Molecular consequence: missense variant.
Genome position (GRCh38, 1-based): chr5:95,498,412, C>G on the plus strand (G>C on the coding strand, the complement: SKIC3 is on the minus strand). VCF-style: chr5-95498412-C-G. GRCh37 (hg19) VCF-style: chr5-94834116-C-G.
Other names: short protein forms R1174P.
Identifiers: ClinVar variation 1418423 (VCV001418423.3), dbSNP rs149287861, ClinGen allele CA3346703.